The following is an entry in ClinVar:

NM_015338.6(ASXL1):c.3090C>G (p.Asp1030Glu)

Gene: ASXL1 (ASXL transcriptional regulator 1; plus strand). Cytogenetic location: 20q11.21.
Variant type: single nucleotide variant.
Coding change: c.3090C>G on transcript NM_015338.6 (MANE Select); coding-DNA position 3090, C replaced by G.
Protein change: p.Asp1030Glu; replaces aspartic acid 1030 with glutamic acid.
Molecular consequence: missense variant.
Genome position (GRCh38, 1-based): chr20:32,435,802, C>G. VCF-style: chr20-32435802-C-G. GRCh37 (hg19) VCF-style: chr20-31023605-C-G.
Other names: c.2907C>G, p.Asp969Glu (NM_001363734.1); short protein forms D1030E, D969E.
Identifiers: ClinVar variation 4827416 (VCV004827416.1).

ClinVar aggregate classification (germline): Uncertain significance (1 of 4 stars; one submission).

Conditions:
Inborn genetic diseases. Identifiers: MedGen C0950123, MeSH D030342.

gnomAD v4.1: 1 of 1,614,138 alleles (0.000062%); highest among the groups gnomAD compares: Non-Finnish European, 0.000085%; no homozygotes.

Submission:

Ambry Genetics
Classification: Uncertain significance for Inborn genetic diseases. Last evaluated: 2026-03-06. Review status: criteria provided, single submitter. Criteria: Ambry Variant Classification Scheme 2023. Collection method: clinical testing. Allele origin: germline.
Comment: The p.D1030E variant (also known as c.3090C>G), located in coding exon 13 of the ASXL1 gene, results from a C to G substitution at nucleotide position 3090. The aspartic acid at codon 1030 is replaced by glutamic acid, an amino acid with highly similar properties. This amino acid position is conserved. In addition, this alteration is predicted to be tolerated by in silico analysis. Based on the available evidence, the clinical significance of this variant remains unclear.